The following is an entry in ClinVar:

NM_032737.4(LMNB2):c.49G>T (p.Ala17Ser)

Genes: LMNB2 (lamin B2; minus strand), LOC130063066 (ATAC-STARR-seq lymphoblastoid silent region 9792; plus strand). Cytogenetic location: 19p13.3.
Variant type: single nucleotide variant.
Coding change: c.49G>T on transcript NM_032737.4 (MANE Select); coding-DNA position 49, G replaced by T.
Protein change: p.Ala17Ser; replaces alanine 17 with serine.
Molecular consequence: missense variant.
Genome position (GRCh38, 1-based): chr19:2,456,885, C>A on the plus strand (G>T on the coding strand, the complement: LMNB2 is on the minus strand). VCF-style: chr19-2456885-C-A. GRCh37 (hg19) VCF-style: chr19-2456883-C-A.
Other names: short protein forms A17S.
Identifiers: ClinVar variation 857706 (VCV000857706.10), dbSNP rs1374097743, ClinGen allele CA403260157.
Genomic context (GRCh38, chr19:2,456,885, plus strand): 5'-ACAGCGGCGTGGCGGGCCCGCCCGCGCGGCCGGGCAGCGGCGTGGCCATGGTGGCGGCGG[C>A]TCGCGGCCTGCGCTGCTCCCGACGGCGGCCCGGGCTCGGCGGGCTCATTCAATCCGCGCC-3'
Protein context (NP_116126.3, residues 7-27): GRRREQRRPR[Ala17Ser]AATMATPLPG

ClinVar aggregate classification (germline): Uncertain significance (1 of 4 stars; one submission).

Conditions:
Progressive myoclonic epilepsy type 9. Identifiers: Orphanet 457265, MedGen C4225289, MONDO:0014685, OMIM 616540.
Lipodystrophy, partial, acquired, susceptibility to (APLD). Also called: APLD, SUSCEPTIBILITY TO. Identifiers: MedGen C3887501, MONDO:0100476, OMIM 608709.

Allele frequency attached by ClinVar (database versions not stated): gnomAD 0.00001.

Submission:

Labcorp Genetics (formerly Invitae), Labcorp
Classification: Uncertain significance for Progressive myoclonic epilepsy type 9; Lipodystrophy, partial, acquired, susceptibility to. Last evaluated: 2024-03-03. Review status: criteria provided, single submitter. Criteria: Invitae Variant Classification Sherloc (09022015). Collection method: clinical testing. Allele origin: germline.
Comment: This sequence change replaces alanine, which is neutral and non-polar, with serine, which is neutral and polar, at codon 17 of the LMNB2 protein (p.Ala17Ser). This variant is present in population databases (no rsID available, gnomAD 0.3%). This variant has not been reported in the literature in individuals affected with LMNB2-related conditions. ClinVar contains an entry for this variant (Variation ID: 857706). An algorithm developed to predict the effect of missense changes on protein structure and function (PolyPhen-2) suggests that this variant is likely to be tolerated. In summary, the available evidence is currently insufficient to determine the role of this variant in disease. Therefore, it has been classified as a Variant of Uncertain Significance.